The following is an entry in ClinVar:

ClinVar aggregate classification (germline): Conflicting classifications of pathogenicity. Review status: criteria provided, conflicting classifications (1 of 4 stars). 2 submissions from 2 submitters: Uncertain significance (1); Likely benign (1). Last evaluated 2026-07-07.

Conditions:
PCNT-related disorder. Also called: PCNT-related condition.
Inborn genetic diseases. Identifiers: MedGen C0950123, MeSH D030342.

Allele frequency attached by ClinVar (database versions not stated): ExAC 0.00003; gnomAD 0.00005; TOPMed 0.00007; 1000 Genomes Project 30x 0.00016; 1000 Genomes Project 0.00020.
gnomAD v4.1: 34 of 1,613,850 alleles (0.0021%); highest among the groups gnomAD compares: African/African-American, 0.016%; no homozygotes.

Submissions (2):

PreventionGenetics, part of Exact Sciences
Classification: Uncertain significance for PCNT-related condition. Last evaluated: 2026-07-07. Review status: criteria provided, single submitter. Criteria: ACMG Guidelines, 2015. Collection method: clinical testing. Allele origin: germline.
Comment: The PCNT c.2696G>A variant is predicted to result in the amino acid substitution p.Arg899His. To our knowledge, this variant has not been reported in the literature. This variant is reported in 0.016% of alleles in individuals of African descent in gnomAD. At this time, the clinical significance of this variant is uncertain due to the absence of conclusive functional and genetic evidence.

Ambry Genetics
Classification: Likely benign for Inborn genetic diseases. Last evaluated: 2025-06-03. Review status: criteria provided, single submitter. Criteria: Ambry Variant Classification Scheme 2023. Collection method: clinical testing. Allele origin: germline.

NM_006031.6(PCNT):c.2696G>A (p.Arg899His)

Gene: PCNT (pericentrin; plus strand). Cytogenetic location: 21q22.3.
Variant type: single nucleotide variant.
Coding change: c.2696G>A on transcript NM_006031.6 (MANE Select); coding-DNA position 2696, G replaced by A.
Protein change: p.Arg899His; replaces arginine 899 with histidine.
Molecular consequence: missense variant.
Genome position (GRCh38, 1-based): chr21:46,366,670, G>A. VCF-style: chr21-46366670-G-A. GRCh37 (hg19) VCF-style: chr21-47786585-G-A.
Other names: c.2342G>A, p.Arg781His (NM_001315529.2); short protein forms R781H, R899H.
Identifiers: ClinVar variation 2634233 (VCV002634233.5), dbSNP rs549172396, ClinGen allele CA10079073.